The following is an entry in ClinVar:

NM_002499.4(NEO1):c.4368C>T (p.Asn1456=)

Gene: NEO1 (neogenin 1; plus strand). Cytogenetic location: 15q24.1.
Variant type: single nucleotide variant.
Coding change: c.4368C>T on transcript NM_002499.4 (MANE Select); coding-DNA position 4368, C replaced by T.
Protein change: p.Asn1456=; no amino-acid change (asparagine 1456 retained).
Molecular consequence: synonymous variant.
Genome position (GRCh38, 1-based): chr15:73,302,678, C>T. VCF-style: chr15-73302678-C-T. GRCh37 (hg19) VCF-style: chr15-73595019-C-T.
Other names: c.4209C>T, p.Asn1403= (NM_001172623.2); c.4335C>T, p.Asn1445= (NM_001172624.2); c.4428C>T, p.Asn1476= (NM_001419531.1).
Identifiers: ClinVar variation 3049068 (VCV003049068.2), dbSNP rs146829305, ClinGen allele CA7648772.

ClinVar aggregate classification (germline): Likely benign (0 of 4 stars; one submission).

Conditions:
NEO1-related disorder. Also called: NEO1-related condition.

Allele frequency attached by ClinVar (database versions not stated): 1000 Genomes Project 30x 0.00031; 1000 Genomes Project 0.00040; TOPMed 0.00054; ExAC 0.00056; gnomAD 0.00056; ESP Exome Variant Server 0.00092; gnomAD exomes 0.00109.
gnomAD v4.1: 1,715 of 1,614,024 alleles (0.11%); highest among the groups gnomAD compares: Middle Eastern, 0.25%; 3 homozygotes.

Submission:

PreventionGenetics, part of Exact Sciences
Classification: Likely benign for NEO1-related condition. Last evaluated: 2020-02-24. Review status: no assertion criteria provided. Collection method: clinical testing. Allele origin: germline.
Comment: This variant is classified as likely benign based on ACMG/AMP sequence variant interpretation guidelines (Richards et al. 2015 PMID: 25741868, with internal and published modifications).